The following is an entry in ClinVar:

NM_012431.3(SEMA3E):c.670+7A>G

Gene: SEMA3E (semaphorin 3E; minus strand). Cytogenetic location: 7q21.11.
Variant type: single nucleotide variant.
Coding change: c.670+7A>G on transcript NM_012431.3 (MANE Select); 7 bases into the intron after coding-DNA position 670, A replaced by G.
Molecular consequence: intron variant.
Genome position (GRCh38, 1-based): chr7:83,408,361, T>C on the plus strand (A>G on the coding strand, the complement: SEMA3E is on the minus strand). VCF-style: chr7-83408361-T-C. GRCh37 (hg19) VCF-style: chr7-83037677-T-C.
Other names: c.490+7A>G (NM_001178129.2).
Identifiers: ClinVar variation 2629064 (VCV002629064.2), dbSNP rs777108802, ClinGen allele CA4322259.

ClinVar aggregate classification (germline): Uncertain significance (1 of 4 stars; one submission).

Conditions:
SEMA3E-related disorder. Also called: SEMA3E-related condition.

Allele frequency attached by ClinVar (database versions not stated): ExAC 0.00002.
gnomAD v4.1: 16 of 1,613,546 alleles (0.00099%); highest among the groups gnomAD compares: Middle Eastern, 0.033%; 1 homozygote.

Submission:

PreventionGenetics, part of Exact Sciences
Classification: Uncertain significance for SEMA3E-related condition. Last evaluated: 2024-10-18. Review status: criteria provided, single submitter. Criteria: ACMG Guidelines, 2015. Collection method: clinical testing. Allele origin: germline.
Comment: The SEMA3E c.670+7A>G variant is predicted to interfere with splicing. This variant is predicted to alter splicing based on available splicing prediction programs (Alamut Visual plus v1.6.1). However, such computer prediction programs are imperfect. To our knowledge, this variant has not been reported in the literature. This variant is reported in 0.0065% of alleles in individuals of South Asian descent in gnomAD. At this time, the clinical significance of this variant is uncertain due to the absence of conclusive functional and genetic evidence.